The following is an entry in ClinVar:

NM_006662.3(SRCAP):c.8498T>C (p.Leu2833Pro)

Gene: SRCAP (Snf2 related CREBBP activator protein; plus strand). Cytogenetic location: 16p11.2.
Variant type: single nucleotide variant.
Coding change: c.8498T>C on transcript NM_006662.3 (MANE Select); coding-DNA position 8498, T replaced by C.
Protein change: p.Leu2833Pro; replaces leucine 2833 with proline.
Molecular consequence: missense variant.
Genome position (GRCh38, 1-based): chr16:30,738,538, T>C. VCF-style: chr16-30738538-T-C. GRCh37 (hg19) VCF-style: chr16-30749859-T-C.
Other names: short protein forms L2833P.
Identifiers: ClinVar variation 3389634 (VCV003389634.16).

ClinVar aggregate classification (germline): Uncertain significance. Review status: criteria provided, multiple submitters, no conflicts (2 of 4 stars). 3 submissions from 3 submitters: Uncertain significance (3). Last evaluated 2025-07-10.

Conditions:
Developmental delay, hypotonia, musculoskeletal defects, and behavioral abnormalities. Identifiers: MedGen C5562012, MONDO:0859202, OMIM 619595.
Floating-Harbor syndrome (FLHS). Also called: Short stature with delayed bone age, expressive language delay, a triangular face with a prominent nose and deep-set eyes; Pelletier-Leisti syndrome; SRCAP-Related Floating-Harbor Syndrome. Identifiers: Orphanet 2044, MedGen C0729582, MONDO:0007621, OMIM 136140.

Submissions (3):

Labcorp Genetics (formerly Invitae), Labcorp
Classification: Uncertain significance. Last evaluated: 2025-07-10. Review status: criteria provided, single submitter. Criteria: Invitae Variant Classification Sherloc (09022015). Collection method: clinical testing. Allele origin: germline.
Comment: This sequence change replaces leucine, which is neutral and non-polar, with proline, which is neutral and non-polar, at codon 2833 of the SRCAP protein (p.Leu2833Pro). This variant is present in population databases (rs377015584, gnomAD 0.01%). This variant has not been reported in the literature in individuals affected with SRCAP-related conditions. ClinVar contains an entry for this variant (Variation ID: 3389634). Invitae Evidence Modeling of protein sequence and biophysical properties (such as structural, functional, and spatial information, amino acid conservation, physicochemical variation, residue mobility, and thermodynamic stability) indicates that this missense variant is not expected to disrupt SRCAP protein function with a negative predictive value of 80%. In summary, the available evidence is currently insufficient to determine the role of this variant in disease. Therefore, it has been classified as a Variant of Uncertain Significance.

CeGaT Center for Human Genetics Tuebingen
Classification: Uncertain significance. Last evaluated: 2024-09-01. Review status: criteria provided, single submitter. Criteria: CeGaT Center For Human Genetics Tuebingen Variant Classification Criteria Version 2. Collection method: clinical testing. Allele origin: germline. Affected: yes. Observed: 1 variant allele.

Fulgent Genetics
Classification: Uncertain significance for Floating-Harbor syndrome; Developmental delay, hypotonia, musculoskeletal defects, and behavioral abnormalities. Last evaluated: 2024-05-07. Review status: criteria provided, single submitter. Criteria: ACMG Guidelines, 2015. Collection method: clinical testing. Allele origin: germline.